The following is an entry in ClinVar:

NM_002890.3(RASA1):c.2462T>C (p.Ile821Thr)

Genes: CCNH (cyclin H; minus strand), RASA1 (RAS p21 protein activator 1; plus strand). Cytogenetic location: 5q14.3.
Variant type: single nucleotide variant.
Coding change: c.2462T>C on transcript NM_002890.3 (MANE Select); coding-DNA position 2462, T replaced by C.
Protein change: p.Ile821Thr; replaces isoleucine 821 with threonine.
Molecular consequence: missense variant. On other transcripts: intron variant (1).
Genome position (GRCh38, 1-based): chr5:87,378,513, T>C. VCF-style: chr5-87378513-T-C. GRCh37 (hg19) VCF-style: chr5-86674330-T-C.
Other names: c.1931T>C, p.Ile644Thr (NM_022650.3); c.933+16531A>G (NM_001364075.2); short protein forms I821T, I644T.
Identifiers: ClinVar variation 2798868 (VCV002798868.3), dbSNP rs2112495755, ClinGen allele CA360382673.
Genomic context (GRCh38, chr5:87,378,513, plus strand): 5'-ATATGAAAGCCACTGCTACACAGTTTGTTCATCATGCTTTGAAAGACTCTATTTTAAAGA[T>C]AATGGAAAGCAAGCAGTCTTGTGAGGTAAGAATTTAATGTTTTAATAAGTATTTTTGCAA-3'
Protein context (NP_002881.1, residues 811-831): HHALKDSILK[Ile821Thr]MESKQSCELS

ClinVar aggregate classification (germline): Uncertain significance. Review status: criteria provided, multiple submitters, no conflicts (2 of 4 stars). 2 submissions from 2 submitters: Uncertain significance (2). Last evaluated 2025-11-07.

Conditions:
Cardiovascular phenotype. Identifiers: MedGen CN230736.
Capillary malformation-arteriovenous malformation syndrome. Also called: Capillary malformation-arteriovenous malformation. Identifiers: Orphanet 137667, MedGen C1842180, MONDO:0012016.

Submissions (2):

Ambry Genetics
Classification: Uncertain significance for Cardiovascular phenotype. Last evaluated: 2025-11-07. Review status: criteria provided, single submitter. Criteria: Ambry Variant Classification Scheme 2023. Collection method: clinical testing. Allele origin: germline.
Comment: The p.I821T variant (also known as c.2462T>C), located in coding exon 18 of the RASA1 gene, results from a T to C substitution at nucleotide position 2462. The isoleucine at codon 821 is replaced by threonine, an amino acid with similar properties. This amino acid position is conserved. In addition, this alteration is predicted to be deleterious by in silico analysis. Based on the available evidence, the clinical significance of this variant remains unclear.

Labcorp Genetics (formerly Invitae), Labcorp
Classification: Uncertain significance for Capillary malformation-arteriovenous malformation syndrome. Last evaluated: 2024-05-29. Review status: criteria provided, single submitter. Criteria: Invitae Variant Classification Sherloc (09022015). Collection method: clinical testing. Allele origin: germline.
Comment: This sequence change replaces isoleucine, which is neutral and non-polar, with threonine, which is neutral and polar, at codon 821 of the RASA1 protein (p.Ile821Thr). This variant is not present in population databases (gnomAD no frequency). This variant has not been reported in the literature in individuals affected with RASA1-related conditions. An algorithm developed to predict the effect of missense changes on protein structure and function (PolyPhen-2) suggests that this variant is likely to be disruptive. In summary, the available evidence is currently insufficient to determine the role of this variant in disease. Therefore, it has been classified as a Variant of Uncertain Significance.